The following is an entry in ClinVar:

ClinVar aggregate classification (germline): Benign. Review status: criteria provided, multiple submitters, no conflicts (2 of 4 stars). 14 submissions from 11 submitters: Benign (10). 4 of the submissions do not count toward it. Last evaluated 2026-02-04.

Conditions:
Dilated cardiomyopathy 1G (CMD1G). Identifiers: Orphanet 154, MedGen C1858763, MONDO:0011400, OMIM 604145.
Autosomal recessive limb-girdle muscular dystrophy type 2J (LGMDR10). Also called: Limb-girdle muscular dystrophy, type 2J; MUSCULAR DYSTROPHY, LIMB-GIRDLE, AUTOSOMAL RECESSIVE 10. Identifiers: Orphanet 140922, MedGen C1837342, MONDO:0012127, OMIM 608807.
Early-onset myopathy with fatal cardiomyopathy (CMYO5). Also called: Salih Myopathy; CONGENITAL MYOPATHY 5 WITH CARDIOMYOPATHY. Identifiers: Orphanet 289377, MedGen C2673677, MONDO:0012714, OMIM 611705. Disease mechanism: loss of function.
Myopathy, myofibrillar, 9, with early respiratory failure (MFM9). Also called: EDSTROM MYOPATHY; MYOPATHY, PROXIMAL, WITH EARLY RESPIRATORY MUSCLE INVOLVEMENT; Hereditary myopathy with early respiratory failure; Myopathy, distal, with early respiratory failure, autosomal dominant. Identifiers: Orphanet 178464, Orphanet 34521, MedGen C1863599, MONDO:0011362, OMIM 603689.
Tibial muscular dystrophy (TMD). Also called: UDD MYOPATHY; Tibial muscular dystrophy, tardive; Udd Distal Myopathy – Tibial Muscular Dystrophy. Identifiers: Orphanet 609, MedGen C1838244, MONDO:0010870, OMIM 600334.

Allele frequency attached by ClinVar (database versions not stated): gnomAD exomes 0.00271 and 0.00653; ExAC 0.00743; ESP Exome Variant Server 0.02354; gnomAD 0.02573 and 0.02781; 1000 Genomes Project 0.02676; TOPMed 0.02919; 1000 Genomes Project 30x 0.02983.
gnomAD v4.1: 8,026 of 1,612,090 alleles (0.5%); highest among the groups gnomAD compares: African/African-American, 9.2%; 310 homozygotes.

Submissions (21):

Labcorp Genetics (formerly Invitae), Labcorp
Classification: Benign for Dilated cardiomyopathy 1G; Autosomal recessive limb-girdle muscular dystrophy type 2J. Last evaluated: 2026-02-04. Review status: criteria provided, single submitter. Criteria: Invitae Variant Classification Sherloc (09022015). Collection method: clinical testing. Allele origin: germline.

Molecular Diagnostic Laboratory for Inherited Cardiovascular Disease, Montreal Heart Institute
Classification: Benign. Last evaluated: 2025-04-09. Review status: criteria provided, single submitter. Criteria: ACMG Guidelines, 2015. Collection method: clinical testing. Allele origin: germline. Affected: no.

Genome-Nilou Lab
Classification: Benign for Autosomal recessive limb-girdle muscular dystrophy type 2J. Last evaluated: 2021-09-10. Review status: criteria provided, single submitter. Criteria: ACMG Guidelines, 2015. Collection method: clinical testing. Allele origin: germline. Affected: no.

Genome-Nilou Lab
Classification: Benign for Myopathy, myofibrillar, 9, with early respiratory failure. Last evaluated: 2021-09-10. Review status: criteria provided, single submitter. Criteria: ACMG Guidelines, 2015. Collection method: clinical testing. Allele origin: germline. Affected: no.

Genome-Nilou Lab
Classification: Benign for Early-onset myopathy with fatal cardiomyopathy. Last evaluated: 2021-09-10. Review status: criteria provided, single submitter. Criteria: ACMG Guidelines, 2015. Collection method: clinical testing. Allele origin: germline. Affected: no.

Genome-Nilou Lab
Classification: Benign for Tibial muscular dystrophy. Last evaluated: 2021-09-10. Review status: criteria provided, single submitter. Criteria: ACMG Guidelines, 2015. Collection method: clinical testing. Allele origin: germline. Affected: no.

Athena Diagnostics
Classification: Benign. Last evaluated: 2019-06-11. Review status: criteria provided, single submitter. Criteria: Athena Diagnostics Criteria. Collection method: clinical testing. Allele origin: germline.

GeneDx
Classification: Benign. Last evaluated: 2018-06-18. Review status: criteria provided, single submitter. Criteria: GeneDx Variant Classification (06012015). Collection method: clinical testing. Allele origin: germline. Affected: yes.
Comment: This variant is considered likely benign or benign based on one or more of the following criteria: it is a conservative change, it occurs at a poorly conserved position in the protein, it is predicted to be benign by multiple in silico algorithms, and/or has population frequency not consistent with disease.

Biesecker Lab/Clinical Genomics Section, National Institutes of Health
Classification: Benign. Last evaluated: 2013-06-24. Review status: criteria provided, single submitter. Criteria: Ng et al. (Circ Cardiovasc Genet. 2013). Collection method: research. Allele origin: unknown. Observed: 4 variant alleles. Study: ClinSeq.
Comment: The study set was not selected for affection status in relation to any cancer. Pathogenicity categories were based on literature curation. See Pubmed ID:23861362 for details.

Medical sequencing

Breakthrough Genomics
Classification: Benign. Review status: criteria provided, single submitter. Criteria: ACMG Guidelines, 2015. Collection method: not provided. Allele origin: germline. Inheritance: Autosomal recessive inheritance. Affected: yes.

Clinical Genetics DNA and cytogenetics Diagnostics Lab, Erasmus MC, Erasmus Medical Center
Classification: Benign. Review status: no assertion criteria provided. Collection method: clinical testing. Allele origin: germline. Affected: yes. Study: VKGL Data-share Consensus. Not counted in ClinVar's aggregate classification.

Clinical Genetics, Academic Medical Center
Classification: Benign. Review status: no assertion criteria provided. Collection method: clinical testing. Allele origin: germline. Affected: yes. Study: VKGL Data-share Consensus. Not counted in ClinVar's aggregate classification.

Dr. Peter K. Rogan Lab, Western University
No classification provided (evidence only). Condition: Acute myeloid leukemia. Review status: no classification provided. Collection method: in vitro. Allele origin: not applicable. Functional consequence: retained intron. Not counted in ClinVar's aggregate classification.

Dr. Peter K. Rogan Lab, Western University
No classification provided (evidence only). Condition: Acute myeloid leukemia. Review status: no classification provided. Collection method: in vitro. Allele origin: not applicable. Functional consequence: retained intron. Not counted in ClinVar's aggregate classification.

Dr. Peter K. Rogan Lab, Western University
No classification provided (evidence only). Condition: Thyroid cancer, nonmedullary, 1. Review status: no classification provided. Collection method: in vitro. Allele origin: not applicable. Functional consequence: retained intron. Not counted in ClinVar's aggregate classification.

Dr. Peter K. Rogan Lab, Western University
No classification provided (evidence only). Condition: Thyroid cancer, nonmedullary, 1. Review status: no classification provided. Collection method: in vitro. Allele origin: not applicable. Functional consequence: retained intron. Not counted in ClinVar's aggregate classification.

Dr. Peter K. Rogan Lab, Western University
No classification provided (evidence only). Condition: Hepatocellular carcinoma. Review status: no classification provided. Collection method: in vitro. Allele origin: not applicable. Functional consequence: retained intron. Not counted in ClinVar's aggregate classification.

Dr. Peter K. Rogan Lab, Western University
No classification provided (evidence only). Condition: Thymoma. Review status: no classification provided. Collection method: in vitro. Allele origin: not applicable. Functional consequence: retained intron. Not counted in ClinVar's aggregate classification.

Dr. Peter K. Rogan Lab, Western University
No classification provided (evidence only). Condition: Thymoma. Review status: no classification provided. Collection method: in vitro. Allele origin: not applicable. Functional consequence: retained intron. Not counted in ClinVar's aggregate classification.

Joint Genome Diagnostic Labs from Nijmegen and Maastricht, Radboudumc and MUMC+
Classification: Benign. Review status: no assertion criteria provided. Collection method: clinical testing. Allele origin: germline. Affected: yes. Study: VKGL Data-share Consensus. Not counted in ClinVar's aggregate classification.

Laboratory of Diagnostic Genome Analysis, Leiden University Medical Center (LUMC)
Classification: Likely benign. Review status: no assertion criteria provided. Collection method: clinical testing. Allele origin: germline. Affected: yes. Study: VKGL Data-share Consensus. Not counted in ClinVar's aggregate classification.

NM_001267550.2(TTN):c.36299A>T (p.Glu12100Val)

Gene: TTN (titin; minus strand). Cytogenetic location: 2q31.2.
Variant type: single nucleotide variant.
Coding change: c.36299A>T on transcript NM_001267550.2 (MANE Select); coding-DNA position 36299, A replaced by T.
Protein change: p.Glu12100Val; replaces glutamic acid 12100 with valine.
Molecular consequence: missense variant. On other transcripts: intron variant (4).
Genome position (GRCh38, 1-based): chr2:178,664,080, T>A on the plus strand (A>T on the coding strand, the complement: TTN is on the minus strand). VCF-style: chr2-178664080-T-A. GRCh37 (hg19) VCF-style: chr2-179528807-T-A.
Other names: c.13283-21763A>T (NM_003319.4); c.13859-21763A>T (NM_133437.4); c.13658-21763A>T (NM_133432.3); c.34265-1025A>T (NM_001256850.1); c.31484-1025A>T (NM_133378.4); short protein forms E12100V.
Identifiers: ClinVar variation 192217 (VCV000192217.24), dbSNP rs73973133, ClinGen allele CA200107.